The following is an entry in ClinVar:

ClinVar aggregate classification (germline): Likely pathogenic (1 of 4 stars; one submission).

Allele frequency attached by ClinVar (database versions not stated): gnomAD exomes below 0.00001.
gnomAD v4.1: 1 of 1,587,604 alleles (0.000063%); highest among the groups gnomAD compares: Non-Finnish European, 0.000086%; no homozygotes.

Submission:

Labcorp Genetics (formerly Invitae), Labcorp
Classification: Likely pathogenic. Last evaluated: 2023-09-28. Review status: criteria provided, single submitter. Criteria: Invitae Variant Classification Sherloc (09022015). Collection method: clinical testing. Allele origin: germline.
Comment: This sequence change affects a donor splice site in intron 39 of the FRAS1 gene. It is expected to disrupt RNA splicing. Variants that disrupt the donor or acceptor splice site typically lead to a loss of protein function (PMID: 16199547), and loss-of-function variants in FRAS1 are known to be pathogenic (PMID: 12766769, 18671281). This variant is not present in population databases (gnomAD no frequency). This variant has not been reported in the literature in individuals affected with FRAS1-related conditions. Algorithms developed to predict the effect of sequence changes on RNA splicing suggest that this variant may disrupt the consensus splice site. In summary, the currently available evidence indicates that the variant is pathogenic, but additional data are needed to prove that conclusively. Therefore, this variant has been classified as Likely Pathogenic.

Literature cited by the submitters: PubMed 16199547; PubMed 12766769; PubMed 18671281.

NM_025074.7(FRAS1):c.5366+2T>G

Gene: FRAS1 (Fraser extracellular matrix complex subunit 1; plus strand). Cytogenetic location: 4q21.21.
Variant type: single nucleotide variant.
Coding change: c.5366+2T>G on transcript NM_025074.7 (MANE Select); the canonical splice donor site of the intron after coding-DNA position 5366, T replaced by G.
Molecular consequence: splice donor variant.
Genome position (GRCh38, 1-based): chr4:78,438,720, T>G. VCF-style: chr4-78438720-T-G. GRCh37 (hg19) VCF-style: chr4-79359874-T-G.
Other names: c.5366+2T>G (NM_001166133.2).
Identifiers: ClinVar variation 2761908 (VCV002761908.3), dbSNP rs2477182856, ClinGen allele CA357387909.